The following is an entry in ClinVar:

NM_000492.4(CFTR):c.2060T>A (p.Phe687Tyr)

Gene: CFTR (CF transmembrane conductance regulator; plus strand). Cytogenetic location: 7q31.2.
Variant type: single nucleotide variant.
Coding change: c.2060T>A on transcript NM_000492.4 (MANE Select); coding-DNA position 2060, T replaced by A.
Protein change: p.Phe687Tyr; replaces phenylalanine 687 with tyrosine.
Molecular consequence: missense variant.
Genome position (GRCh38, 1-based): chr7:117,592,227, T>A. VCF-style: chr7-117592227-T-A. GRCh37 (hg19) VCF-style: chr7-117232281-T-A.
Other names: short protein forms F687Y.
Identifiers: ClinVar variation 4868837 (VCV004868837.1).

ClinVar aggregate classification (germline): Uncertain significance (1 of 4 stars; one submission).

Conditions:
Cystic fibrosis (CF). Also called: MUCOVISCIDOSIS. Identifiers: Orphanet 586, MedGen C0010674, MONDO:0009061, OMIM 219700. Disease mechanism: loss of function.

Submission:

Ambry Genetics
Classification: Uncertain significance for Cystic fibrosis. Last evaluated: 2026-04-13. Review status: criteria provided, single submitter. Criteria: Ambry Variant Classification Scheme 2023. Collection method: clinical testing. Allele origin: germline.
Comment: The p.F687Y variant (also known as c.2060T>A), located in coding exon 14 of the CFTR gene, results from a T to A substitution at nucleotide position 2060. The phenylalanine at codon 687 is replaced by tyrosine, an amino acid with highly similar properties. This amino acid position is conserved. In addition, this alteration is predicted to be deleterious by in silico analysis. Based on the available evidence, the clinical significance of this variant remains unclear.